The following is an entry in ClinVar:

ClinVar aggregate classification (germline): Uncertain significance. Review status: reviewed by expert panel (3 of 4 stars). 10 submissions from 10 submitters: Uncertain significance (1). 9 of the submissions do not count toward it. Last evaluated 2024-12-06.

Conditions:
Hurler syndrome. Also called: Gargoylism, Hurler Syndrome; MUCOPOLYSACCHARIDOSIS TYPE IH; Severe MPS I (Hurler Syndrome). Identifiers: Orphanet 93473, MedGen C0086795, MONDO:0011758, OMIM 607014.
Mucopolysaccharidosis, MPS-I-H/S. Also called: Mucopolysaccharidosis type IH/S. Identifiers: Orphanet 93476, MedGen C0086431, MONDO:0011759, OMIM 607015.
Mucopolysaccharidosis, MPS-I-S. Also called: MPS V; MUCOPOLYSACCHARIDOSIS TYPE V; Scheie Syndrome; MUCOPOLYSACCHARIDOSIS TYPE IS. Identifiers: Orphanet 93474, MedGen C0026708, MONDO:0011760, OMIM 607016.
Mucopolysaccharidosis type 1. Also called: IDUA deficiency; MPS I; Mucopolysaccharidosis Type I. Identifiers: Orphanet 579, MedGen C0023786, MONDO:0001586.

Allele frequency attached by ClinVar (database versions not stated): gnomAD 0.00013; TOPMed 0.00021.
gnomAD v4.1: 320 of 1,610,838 alleles (0.02%); highest among the groups gnomAD compares: Non-Finnish European, 0.025%; 1 homozygote.

Submissions (10):

ClinGen Lysosomal Storage Disorder Variant Curation Expert Panel
Classification: Uncertain significance for Mucopolysaccharidosis type 1. Last evaluated: 2024-12-06. Review status: reviewed by expert panel. Criteria: ClinGen LSD ACMG Specifications IDUA V1.0.0. Collection method: curation. Allele origin: germline. Inheritance: Autosomal recessive inheritance.
Comment: The NM_000203.5:c.1861C>G variant in IDUA is a missense variant predicted to cause the substitution of arginine by glycine at amino acid 621 (p.Arg621Gly). This variant is absent in gnomAD v2.0 (PM2_Supporting). The highest population minor allele frequency in gnomAD v4.1.0. is 0.0002483 (293/1179952 alleles) in the European non-Finnish population, which is less than the ClinGen Lysosomal Diseases VCEP’s threshold for PM2_Supporting (<0.00025) (PM2 Supporting). The computational predictor REVEL gives a score of 0.733 which is in the range 0.644-0.773, evidence that correlates with the impact on IDUA function at the supporting level (PP3). There is a ClinVar entry for this variant (Variation ID: 444626). In summary, this variant meets the criteria to be classified as uncertain significance for MPS I based on the IDUA-specific ACMG/AMP criteria applied, as specified by the ClinGen Lysosomal Diseases Variant Curation Expert Panel (Specifications Version 1.0): PM2 Supporting, PP3. (Classification approved by the ClinGen Lysosomal Diseases Variant Curation Expert Panel on December 6, 2024).

Blueprint Genetics
Classification: Likely benign. Last evaluated: 2024-10-24. Review status: criteria provided, single submitter. Criteria: ACMG Guidelines, 2015. Collection method: clinical testing. Allele origin: germline. Not counted in ClinVar's aggregate classification.

Revvity Omics, Revvity
Classification: Uncertain significance. Last evaluated: 2024-08-21. Review status: criteria provided, single submitter. Criteria: ACMG Guidelines, 2015. Collection method: clinical testing. Allele origin: germline. Not counted in ClinVar's aggregate classification.

Mayo Clinic Laboratories, Mayo Clinic
Classification: Uncertain significance. Last evaluated: 2024-03-28. Review status: criteria provided, single submitter. Criteria: ACMG Guidelines, 2015. Collection method: clinical testing. Allele origin: germline. Observed: 1 variant allele. Not counted in ClinVar's aggregate classification.
Comment: PM2

GeneDx
Classification: Uncertain significance. Last evaluated: 2022-12-16. Review status: criteria provided, single submitter. Criteria: GeneDx Variant Classification Process June 2021. Collection method: clinical testing. Allele origin: germline. Affected: yes. Not counted in ClinVar's aggregate classification.
Comment: Listed in one table of a publication as being seen heterozygous with unknown phase with a pathogenic variant in a patient with severe MPS I, but is unclear if this may represent a typographical error as this variant is not listed in the other two tables summarizing the identified variants but a nonsense variant at the same nucleotide position is listed (Voskoboeva et al., 2021); Has not otherwise been published as pathogenic or benign to our knowledge; In silico analysis supports that this missense variant has a deleterious effect on protein structure/function; This variant is associated with the following publications: (PMID: 35141277, 34833038, 33301762, 27896125)

Labcorp Genetics (formerly Invitae), Labcorp
Classification: Uncertain significance for Mucopolysaccharidosis type 1. Last evaluated: 2022-10-24. Review status: criteria provided, single submitter. Criteria: Invitae Variant Classification Sherloc (09022015). Collection method: clinical testing. Allele origin: germline. Not counted in ClinVar's aggregate classification.
Comment: This sequence change replaces arginine, which is basic and polar, with glycine, which is neutral and non-polar, at codon 621 of the IDUA protein (p.Arg621Gly). This variant is present in population databases (rs121965025, gnomAD 0.05%), including at least one homozygous and/or hemizygous individual. This variant has not been reported in the literature in individuals affected with IDUA-related conditions. ClinVar contains an entry for this variant (Variation ID: 444626). Advanced modeling of protein sequence and biophysical properties (such as structural, functional, and spatial information, amino acid conservation, physicochemical variation, residue mobility, and thermodynamic stability) has been performed at Invitae for this missense variant, however the output from this modeling did not meet the statistical confidence thresholds required to predict the impact of this variant on IDUA protein function. In summary, the available evidence is currently insufficient to determine the role of this variant in disease. Therefore, it has been classified as a Variant of Uncertain Significance.

Fulgent Genetics
Classification: Uncertain significance for Hurler syndrome; Mucopolysaccharidosis, MPS-I-H/S; Mucopolysaccharidosis, MPS-I-S. Last evaluated: 2022-01-04. Review status: criteria provided, single submitter. Criteria: ACMG Guidelines, 2015. Collection method: clinical testing. Allele origin: unknown. Not counted in ClinVar's aggregate classification.

CeGaT Center for Human Genetics Tuebingen
Classification: Uncertain significance. Last evaluated: 2017-06-01. Review status: criteria provided, single submitter. Criteria: CeGaT Center For Human Genetics Tuebingen Variant Classification Criteria Version 2. Collection method: clinical testing. Allele origin: germline. Affected: yes. Observed: 1 variant allele. Not counted in ClinVar's aggregate classification.

Illumina Laboratory Services, Illumina
Classification: Uncertain significance for Mucopolysaccharidosis type 1. Last evaluated: 2017-04-27. Review status: criteria provided, single submitter. Criteria: ICSL Variant Classification Criteria 13 December 2019. Collection method: clinical testing. Allele origin: germline. Not counted in ClinVar's aggregate classification.

Natera, Inc.
Classification: Uncertain significance for Mucopolysaccharidosis type I. Last evaluated: 2020-09-16. Review status: no assertion criteria provided. Collection method: clinical testing. Allele origin: germline. Not counted in ClinVar's aggregate classification.

Literature cited by the submitters: PubMed 33147747 (cited by Mayo Clinic Laboratories, Mayo Clinic); PubMed 35141277 (cited by Mayo Clinic Laboratories, Mayo Clinic).

NM_000203.5(IDUA):c.1861C>G (p.Arg621Gly)

Gene: IDUA (alpha-L-iduronidase; plus strand). Cytogenetic location: 4p16.3.
Variant type: single nucleotide variant.
Coding change: c.1861C>G on transcript NM_000203.5 (MANE Select); coding-DNA position 1861, C replaced by G.
Protein change: p.Arg621Gly; replaces arginine 621 with glycine.
Molecular consequence: missense variant. On other transcripts: non-coding transcript variant (1).
Genome position (GRCh38, 1-based): chr4:1,004,292, C>G. VCF-style: chr4-1004292-C-G. GRCh37 (hg19) VCF-style: chr4-998080-C-G.
Other names: p.Arg621Gly; NM_000203.5(IDUA):c.1861C>G; c.1465C>G, p.Arg489Gly (NM_001363576.1); short protein forms R621G, R489G.
Identifiers: ClinVar variation 444626 (VCV000444626.57), dbSNP rs121965025, ClinGen allele CA2802458.